The following is an entry in ClinVar:

ClinVar aggregate classification (germline): Pathogenic. Review status: criteria provided, multiple submitters, no conflicts (2 of 4 stars). 3 submissions from 3 submitters: Pathogenic (2). 1 of the submissions does not count toward it. Last evaluated 2026-02-04.

Conditions:
46,XY ovotesticular disorder of sex development. Identifiers: Orphanet 325345, MedGen C2697358, MONDO:0017968.
Hypospadias 2, X-linked (HYSP2). Identifiers: Orphanet 440, MedGen C2677879, MONDO:0010423, OMIM 300758.

Allele frequency attached by ClinVar (database versions not stated): TOPMed 0.00001.

Submissions (3):

Dasa
Classification: Pathogenic. Last evaluated: 2026-02-04. Review status: criteria provided, single submitter. Criteria: DASA Assertion Criteria. Collection method: clinical testing. Allele origin: germline.
Comment: NM_005491.5(MAMLD1):c.2176C>T (p.Arg726*) introduces a premature termination codon predicted to result in loss of normal protein function. Loss-of-function is an established mechanism of disease for this gene. Functional evidence supports a deleterious effect on the gene or gene product (PMID: 17086185; PMID: 18162467). This variant has been recurrently observed in individuals with related phenotype (PMID: 17086185; PMID: 18162467). Based on the available data, this variant is classified as pathogenic.

Seattle Children's Hospital Molecular Genetics Laboratory, Seattle Children's Hospital
Classification: Pathogenic for 46,XY ovotesticular disorder of sex development. Review status: criteria provided, single submitter. Criteria: ACMG Guidelines, 2015. Collection method: clinical testing. Allele origin: germline. Affected: yes. Observed: 3 variant alleles. Clinical features observed: Hypospadias (HP:0000047), Penoscrotal transposition (HP:0100600).
Comment: The clinical features reported for that patient included penoscrotal hypospadias with chordee, microphallus, bifid scrotum and retractile testes. The variant was maternally inherited (PMID: 17086185). The MAMLD1 p.Arg726* variant replaces the arginine at position 726 with a premature termination codon. This variant has been experimentally demonstrated to undergo nonsense mediated mRNA decay and cause a loss of protein function (PMID: 18162467). This variant is absent from large population cohorts (Genome Aggregation Database v2.1; 0 of ~183,000 alleles).

OMIM
Classification: Pathogenic for HYPOSPADIAS 2, X-LINKED. Last evaluated: 2006-12-01. Review status: no assertion criteria provided. Collection method: literature only. Allele origin: germline. Not counted in ClinVar's aggregate classification.

Literature cited by the submitters: PubMed 17086185 (cited by Dasa and OMIM); PubMed 18162467 (cited by Dasa).

NM_005491.5(MAMLD1):c.2176C>T (p.Arg726Ter)

Gene: MAMLD1 (mastermind like domain containing 1; plus strand). Cytogenetic location: Xq28.
Variant type: single nucleotide variant.
Coding change: c.2176C>T on transcript NM_005491.5 (MANE Select); coding-DNA position 2176, C replaced by T.
Protein change: p.Arg726Ter; replaces arginine 726 with a stop codon.
Molecular consequence: nonsense. On other transcripts: intron variant (2).
Genome position (GRCh38, 1-based): chrX:150,503,409, C>T. VCF-style: chrX-150503409-C-T. GRCh37 (hg19) VCF-style: chrX-149671679-C-T.
Other names: R653*; c.2101C>T, p.Arg701Ter (NM_001177466.3); c.2053C>T, p.Arg685Ter (NM_001400513.1); c.1978C>T, p.Arg660Ter (NM_001400514.1); c.2176C>T, p.Arg726Ter (NM_001400515.1); c.1918-6553C>T (NM_001400512.1); c.1843-6553C>T (NM_001177465.3); short protein forms R726*, R701*, R660*, R685*.
Identifiers: ClinVar variation 11613 (VCV000011613.5), dbSNP rs121909495, ClinGen allele CA121615.